The following is an entry in ClinVar:

NM_000089.4(COL1A2):c.2305G>C (p.Gly769Arg)

Gene: COL1A2 (collagen type I alpha 2 chain; plus strand). Cytogenetic location: 7q21.3.
Variant type: single nucleotide variant.
Coding change: c.2305G>C on transcript NM_000089.4 (MANE Select); coding-DNA position 2305, G replaced by C.
Protein change: p.Gly769Arg; replaces glycine 769 with arginine.
Molecular consequence: missense variant.
Genome position (GRCh38, 1-based): chr7:94,421,018, G>C. VCF-style: chr7-94421018-G-C. GRCh37 (hg19) VCF-style: chr7-94050330-G-C.
Other names: short protein forms G769R.
Identifiers: ClinVar variation 4788128 (VCV004788128.1).

ClinVar aggregate classification (germline): Pathogenic (1 of 4 stars; one submission).

Conditions:
Ehlers-Danlos syndrome, classic type, 1 (EDSCL1). Also called: EHLERS-DANLOS SYNDROME, GRAVIS TYPE; EHLERS-DANLOS SYNDROME, SEVERE CLASSIC TYPE; Ehlers-Danlos syndrome, type 1; Ehlers-Danlos Syndrome, Classic Type, COL5A1-Related; EDS I. Identifiers: MedGen C0268335, MONDO:0019567, OMIM 130000.
Osteogenesis imperfecta type I (OI1). Also called: OI, TYPE I; OSTEOGENESIS IMPERFECTA TARDA; OSTEOGENESIS IMPERFECTA WITH BLUE SCLERAE; Osteogenesis imperfecta type 1; Lobstein's Disease; Lobstein disease. Identifiers: Orphanet 216796, Orphanet 666, MedGen C0023931, MONDO:0008146, OMIM 166200. Disease mechanism: loss of function.

Submission:

Labcorp Genetics (formerly Invitae), Labcorp
Classification: Pathogenic for Osteogenesis imperfecta type I; Ehlers-Danlos syndrome, classic type, 1. Last evaluated: 2025-03-27. Review status: criteria provided, single submitter. Criteria: Invitae Variant Classification Sherloc (09022015). Collection method: clinical testing. Allele origin: germline.
Comment: This sequence change replaces glycine, which is neutral and non-polar, with arginine, which is basic and polar, at codon 769 of the COL1A2 protein (p.Gly769Arg). This variant is not present in population databases (gnomAD no frequency). This missense change has been observed in individual(s) with autosomal dominant osteogenesis imperfecta (PMID: 30715774). Invitae Evidence Modeling of protein sequence and biophysical properties (such as structural, functional, and spatial information, amino acid conservation, physicochemical variation, residue mobility, and thermodynamic stability) indicates that this missense variant is expected to disrupt COL1A2 protein function with a positive predictive value of 95%. This variant disrupts the triple helix domain of COL1A2. Glycine residues within the Gly-Xaa-Yaa repeats of the triple helix domain are required for the structure and stability of fibrillar collagens (PMID: 7695699, 8218237, 19344236). In COL1A2, variants affecting these glycine residues are significantly enriched in individuals with disease (PMID: 9016532, 17078022) compared to the general population (ExAC). This variant disrupts the p.Gly769 amino acid residue in COL1A2. Other variant(s) that disrupt this residue have been observed in individuals with COL1A2-related conditions (PMID: 27509835, 30715774; internal data), which suggests that this may be a clinically significant amino acid residue. For these reasons, this variant has been classified as Pathogenic.

Literature cited by the submitters: PubMed 30715774; PubMed 7695699; PubMed 8218237; PubMed 19344236; PubMed 9016532; PubMed 17078022; PubMed 27509835.